The following is an entry in ClinVar:

ClinVar aggregate classification (germline): Likely benign (1 of 4 stars; one submission).

Conditions:
Hypertrophic cardiomyopathy. Also called: HYPERTROPHIC MYOCARDIOPATHY. Identifiers: Orphanet 217569, MedGen C0007194, MeSH D002312, MONDO:0005045, HP:0001639.

Submission:

All of Us Research Program, National Institutes of Health
Classification: Likely benign for Hypertrophic cardiomyopathy. Last evaluated: 2023-04-03. Review status: criteria provided, single submitter. Criteria: ACMG Guidelines, 2015. Collection method: clinical testing. Allele origin: germline. Inheritance: Autosomal dominant inheritance. Observed: 1 variant allele, 1 heterozygote.
Comment: This study involves interpretation of variants in research participants for the purpose of population health screening. Participant phenotype was not available at the time of variant classification. Additional details can be found in publication PMID: 35346344, PMCID: PMC8962531

NM_001018005.2(TPM1):c.513C>A (p.Ile171=)

Gene: TPM1 (tropomyosin 1; plus strand). Cytogenetic location: 15q22.2.
Variant type: single nucleotide variant.
Coding change: c.513C>A on transcript NM_001018005.2 (MANE Select); coding-DNA position 513, C replaced by A.
Protein change: p.Ile171=; no amino-acid change (isoleucine 171 retained).
Molecular consequence: synonymous variant. On other transcripts: non-coding transcript variant (17).
Genome position (GRCh38, 1-based): chr15:63,060,889, C>A. VCF-style: chr15-63060889-C-A. GRCh37 (hg19) VCF-style: chr15-63353088-C-A.
Other names: c.513C>A, p.Ile171= (NM_000366.6, NM_001018004.2, NM_001018006.2 and 20 more transcripts); c.405C>A, p.Ile135= (NM_001018008.2, NM_001301289.2, NM_001330344.2 and 9 more transcripts); c.639C>A, p.Ile213= (NM_001365778.1, NM_001407322.1, NM_001407323.1 and 1 more transcripts).
Identifiers: ClinVar variation 3070271 (VCV003070271.1), dbSNP rs730881137, ClinGen allele CA490693095.
Genomic context (GRCh38, chr15:63,060,889, plus strand): 5'-GCAAGACCCATGGTGTGTGTGTTGTGTCTTCCTGCTGCAGGTGGCCCGTAAGCTGGTCAT[C>A]ATTGAGAGCGACCTGGAACGTGCAGAGGAGCGGGCTGAGCTCTCAGAAGGGTAAGCGGGC-3'
Protein context (NP_001018005.1, residues 161-181): KYEEVARKLV[Ile171=]IESDLERAEE